The following is an entry in ClinVar:

ClinVar aggregate classification (germline): Uncertain significance (1 of 4 stars; one submission).

Allele frequency attached by ClinVar (database versions not stated): gnomAD 0.00001; TOPMed 0.00001; ExAC 0.00002.
gnomAD v4.1: 16 of 1,613,712 alleles (0.00099%); highest among the groups gnomAD compares: Admixed American, 0.012%; no homozygotes.

Submission:

Labcorp Genetics (formerly Invitae), Labcorp
Classification: Uncertain significance. Last evaluated: 2025-10-29. Review status: criteria provided, single submitter. Criteria: Invitae Variant Classification Sherloc (09022015). Collection method: clinical testing. Allele origin: germline.
Comment: This sequence change replaces arginine, which is basic and polar, with histidine, which is basic and polar, at codon 92 of the CARMIL2 protein (p.Arg92His). This variant is present in population databases (rs779466818, gnomAD 0.01%). This variant has not been reported in the literature in individuals affected with CARMIL2-related conditions. ClinVar contains an entry for this variant (Variation ID: 1517819). An algorithm developed to predict the effect of missense changes on protein structure and function (PolyPhen-2) suggests that this variant is likely to be tolerated. In summary, the available evidence is currently insufficient to determine the role of this variant in disease. Therefore, it has been classified as a Variant of Uncertain Significance.

NM_001013838.3(CARMIL2):c.275G>A (p.Arg92His)

Gene: CARMIL2 (capping protein regulator and myosin 1 linker 2; plus strand). Cytogenetic location: 16q22.1.
Variant type: single nucleotide variant.
Coding change: c.275G>A on transcript NM_001013838.3 (MANE Select); coding-DNA position 275, G replaced by A.
Protein change: p.Arg92His; replaces arginine 92 with histidine.
Molecular consequence: missense variant.
Genome position (GRCh38, 1-based): chr16:67,646,211, G>A. VCF-style: chr16-67646211-G-A. GRCh37 (hg19) VCF-style: chr16-67680114-G-A.
Other names: c.275G>A, p.Arg92His (NM_001317026.3); short protein forms R92H.
Identifiers: ClinVar variation 1517819 (VCV001517819.7), dbSNP rs779466818, ClinGen allele CA8113014.